The following is an entry in ClinVar:

ClinVar aggregate classification (germline): Uncertain significance (1 of 4 stars; one submission).

Conditions:
Peroxisome biogenesis disorder 3A (Zellweger). Also called: Peroxisome biogenesis disorder 3A; PEROXISOMAL BIOGENESIS DISORDER 3A (ZELLWEGER). Identifiers: Orphanet 912, MedGen C3553929, MONDO:0013927, OMIM 614859.

Allele frequency attached by ClinVar (database versions not stated): TOPMed below 0.00001; gnomAD 0.00001.

Submission:

Labcorp Genetics (formerly Invitae), Labcorp
Classification: Uncertain significance for Peroxisome biogenesis disorder 3A (Zellweger). Last evaluated: 2022-08-16. Review status: criteria provided, single submitter. Criteria: Invitae Variant Classification Sherloc (09022015). Collection method: clinical testing. Allele origin: germline.
Comment: This sequence change replaces aspartic acid, which is acidic and polar, with histidine, which is basic and polar, at codon 314 of the PEX12 protein (p.Asp314His). This variant is not present in population databases (gnomAD no frequency). This variant has not been reported in the literature in individuals affected with PEX12-related conditions. ClinVar contains an entry for this variant (Variation ID: 1403799). Algorithms developed to predict the effect of missense changes on protein structure and function are either unavailable or do not agree on the potential impact of this missense change (SIFT: "Tolerated"; PolyPhen-2: "Probably Damaging"; Align-GVGD: "Class C0"). In summary, the available evidence is currently insufficient to determine the role of this variant in disease. Therefore, it has been classified as a Variant of Uncertain Significance.

NM_000286.3(PEX12):c.940G>C (p.Asp314His)

Gene: PEX12 (peroxisomal biogenesis factor 12; minus strand). Cytogenetic location: 17q12.
Variant type: single nucleotide variant.
Coding change: c.940G>C on transcript NM_000286.3 (MANE Select); coding-DNA position 940, G replaced by C.
Protein change: p.Asp314His; replaces aspartic acid 314 with histidine.
Molecular consequence: missense variant.
Genome position (GRCh38, 1-based): chr17:35,575,922, C>G on the plus strand (G>C on the coding strand, the complement: PEX12 is on the minus strand). VCF-style: chr17-35575922-C-G. GRCh37 (hg19) VCF-style: chr17-33902941-C-G.
Other names: short protein forms D314H.
Identifiers: ClinVar variation 1403799 (VCV001403799.5), dbSNP rs1366482320, ClinGen allele CA399137057.
Genomic context (GRCh38, chr17:35,575,922, plus strand): 5'-TCACATAATGAAACACACAGCGGTAACAAAACACATAGCCAGAGGTGGCAAGAACAGTAT[C>G]ATTCACCCGGGTTTTACGACACAGTGGGCACACAGTCTTCATTTTGGGTAAGAGGGGAGA-3'
Protein context (NP_000277.1, residues 304-324): CPLCRKTRVN[Asp314His]TVLATSGYVF